The following is an entry in ClinVar:

NM_052867.4(NALCN):c.5000T>G (p.Phe1667Cys)

Genes: NALCN (sodium leak channel, non-selective; minus strand), NALCN-AS1 (NALCN antisense RNA 1; plus strand). Cytogenetic location: 13q32.3.
Variant type: single nucleotide variant.
Coding change: c.5000T>G on transcript NM_052867.4 (MANE Select); coding-DNA position 5000, T replaced by G.
Protein change: p.Phe1667Cys; replaces phenylalanine 1667 with cysteine.
Molecular consequence: missense variant. On other transcripts: non-coding transcript variant (1).
Genome position (GRCh38, 1-based): chr13:101,057,962, A>C on the plus strand (T>G on the coding strand, the complement: NALCN is on the minus strand). VCF-style: chr13-101057962-A-C. GRCh37 (hg19) VCF-style: chr13-101710314-A-C.
Other names: c.5000T>G (NM_052867.2); c.5087T>G, p.Phe1696Cys (NM_001350748.2); c.5000T>G, p.Phe1667Cys (NM_001350749.2); c.4913T>G, p.Phe1638Cys (NM_001350750.2, NM_001350751.2); short protein forms F1638C, F1696C, F1667C.
Identifiers: ClinVar variation 2705889 (VCV002705889.4), dbSNP rs2031467189, ClinGen allele CA388643760.

ClinVar aggregate classification (germline): Uncertain significance. Review status: criteria provided, multiple submitters, no conflicts (2 of 4 stars). 2 submissions from 2 submitters: Uncertain significance (2). Last evaluated 2025-07-30.

Allele frequency attached by ClinVar (database versions not stated): gnomAD 0.00001.
gnomAD v4.1: 4 of 1,613,838 alleles (0.00025%); highest among the groups gnomAD compares: Non-Finnish European, 0.00034%; no homozygotes.

Submissions (2):

GeneDx
Classification: Uncertain significance. Last evaluated: 2025-07-30. Review status: criteria provided, single submitter. Criteria: GeneDx Variant Classification Process June 2021. Collection method: clinical testing. Allele origin: germline. Affected: yes.
Comment: Not observed at significant frequency in large population cohorts (gnomAD); In silico analysis suggests that this missense variant does not alter protein structure/function; Has not been previously published as pathogenic or benign to our knowledge

Labcorp Genetics (formerly Invitae), Labcorp
Classification: Uncertain significance. Last evaluated: 2023-12-27. Review status: criteria provided, single submitter. Criteria: Invitae Variant Classification Sherloc (09022015). Collection method: clinical testing. Allele origin: germline.
Comment: This sequence change replaces phenylalanine, which is neutral and non-polar, with cysteine, which is neutral and slightly polar, at codon 1667 of the NALCN protein (p.Phe1667Cys). This variant is not present in population databases (gnomAD no frequency). This variant has not been reported in the literature in individuals affected with NALCN-related conditions. Advanced modeling of protein sequence and biophysical properties (such as structural, functional, and spatial information, amino acid conservation, physicochemical variation, residue mobility, and thermodynamic stability) performed at Invitae indicates that this missense variant is not expected to disrupt NALCN protein function with a negative predictive value of 80%. In summary, the available evidence is currently insufficient to determine the role of this variant in disease. Therefore, it has been classified as a Variant of Uncertain Significance.